The following is an entry in ClinVar:

ClinVar aggregate classification (germline): Benign. Review status: criteria provided, multiple submitters, no conflicts (2 of 4 stars). 13 submissions from 12 submitters: Benign (11). 2 of the submissions do not count toward it. Last evaluated 2026-02-03.

Conditions:
Autosomal dominant cerebellar ataxia. Also called: Spinocerebellar Ataxia, Dominant. Identifiers: Orphanet 99, MedGen C4087347, MONDO:0020380.
Charcot-Marie-Tooth disease. Also called: Charcot-Marie-Tooth Neuropathy; Charcot-Marie-Tooth Hereditary Neuropathy. Identifiers: Orphanet 166, MedGen C0007959, MONDO:0015626.
Inborn genetic diseases. Identifiers: MedGen C0950123, MeSH D030342.
Charcot-Marie-Tooth disease axonal type 2O. Also called: CHARCOT-MARIE-TOOTH NEUROPATHY, AXONAL, TYPE 2O; CHARCOT-MARIE-TOOTH DISEASE, AXONAL, AUTOSOMAL DOMINANT, TYPE 2O; Charcot-Marie-Tooth Neuropathy Type 2O; Charcot-Marie-Tooth disease, axonal, type 20. Identifiers: Orphanet 284232, MedGen C3280220, MONDO:0013644, OMIM 614228.

Allele frequency attached by ClinVar (database versions not stated): gnomAD 0.00771 and 0.00832; ESP Exome Variant Server 0.00777; TOPMed 0.00794; 1000 Genomes Project 0.00859; 1000 Genomes Project 30x 0.00937; gnomAD exomes 0.01147 and 0.01158; ExAC 0.01195.
gnomAD v4.1: 17,986 of 1,614,230 alleles (1.1%); highest among the groups gnomAD compares: South Asian, 2.9%; 156 homozygotes.

Submissions (13):

Labcorp Genetics (formerly Invitae), Labcorp
Classification: Benign for Charcot-Marie-Tooth disease axonal type 2O. Last evaluated: 2026-02-03. Review status: criteria provided, single submitter. Criteria: Invitae Variant Classification Sherloc (09022015). Collection method: clinical testing. Allele origin: germline.

ARUP Laboratories, Molecular Genetics and Genomics, ARUP Laboratories
Classification: Benign. Last evaluated: 2023-11-22. Review status: criteria provided, single submitter. Criteria: ARUP Molecular Germline Variant Investigation Process 2024. Collection method: clinical testing. Allele origin: germline.

Athena Diagnostics
Classification: Benign. Last evaluated: 2019-12-30. Review status: criteria provided, single submitter. Criteria: Athena Diagnostics Criteria. Collection method: clinical testing. Allele origin: unknown.

Illumina Laboratory Services, Illumina
Classification: Benign for Charcot-Marie-Tooth disease axonal type 2O. Last evaluated: 2018-01-13. Review status: criteria provided, single submitter. Criteria: ICSL Variant Classification Criteria 13 December 2019. Collection method: clinical testing. Allele origin: germline.
Comment: This variant was observed in the ICSL laboratory as part of a predisposition screen in an ostensibly healthy population. It had not been previously curated by ICSL or reported in the Human Gene Mutation Database (HGMD: prior to June 1st, 2018), and was therefore a candidate for classification through an automated scoring system. Utilizing variant allele frequency, disease prevalence and penetrance estimates, and inheritance mode, an automated score was calculated to assess if this variant is too frequent to cause the disease. Based on the score and internal cut-off values, a variant classified as benign is not then subjected to further curation. The score for this variant resulted in a classification of benign for this disease.

Illumina Laboratory Services, Illumina
Classification: Benign for Spinocerebellar Ataxia, Dominant. Last evaluated: 2018-01-13. Review status: criteria provided, single submitter. Criteria: ICSL Variant Classification Criteria 13 December 2019. Collection method: clinical testing. Allele origin: germline.
Comment: the same text as in the submission from Illumina Laboratory Services, Illumina above.

Mayo Clinic Laboratories, Mayo Clinic
Classification: Benign. Last evaluated: 2016-11-02. Review status: criteria provided, single submitter. Criteria: ACMG Guidelines, 2015. Collection method: clinical testing. Allele origin: germline. Observed: 55 variant alleles.

Ambry Genetics
Classification: Benign for Inborn genetic diseases. Last evaluated: 2016-05-09. Review status: criteria provided, single submitter. Criteria: Ambry Variant Classification Scheme 2023. Collection method: clinical testing. Allele origin: germline.

GeneDx
Classification: Benign. Last evaluated: 2015-03-03. Review status: criteria provided, single submitter. Criteria: GeneDx Variant Classification Process June 2021. Collection method: clinical testing. Allele origin: germline. Affected: yes.

Genetic Services Laboratory, University of Chicago
Classification: Benign for AllHighlyPenetrant. Last evaluated: 2013-05-07. Review status: criteria provided, single submitter. Criteria: ACMG Guidelines, 2007. Collection method: clinical testing. Allele origin: germline. Inheritance: Autosomal dominant inheritance.

Breakthrough Genomics
Classification: Benign. Review status: criteria provided, single submitter. Criteria: ACMG Guidelines, 2015. Collection method: not provided. Allele origin: germline. Inheritance: Autosomal dominant inheritance. Affected: yes.

Molecular Genetics Laboratory, London Health Sciences Centre
Classification: Benign for Charcot-Marie-Tooth disease. Review status: criteria provided, single submitter. Criteria: ACMG Guidelines, 2015. Collection method: clinical testing. Allele origin: germline. Affected: yes.

Clinical Genetics DNA and cytogenetics Diagnostics Lab, Erasmus MC, Erasmus Medical Center
Classification: Likely benign. Review status: no assertion criteria provided. Collection method: clinical testing. Allele origin: germline. Affected: yes. Study: VKGL Data-share Consensus. Not counted in ClinVar's aggregate classification.

Clinical Genetics, Academic Medical Center
Classification: Benign. Review status: no assertion criteria provided. Collection method: clinical testing. Allele origin: germline. Affected: yes. Study: VKGL Data-share Consensus. Not counted in ClinVar's aggregate classification.

NM_001376.5(DYNC1H1):c.2511A>G (p.Ala837=)

Gene: DYNC1H1 (dynein cytoplasmic 1 heavy chain 1; plus strand). Cytogenetic location: 14q32.31.
Variant type: single nucleotide variant.
Coding change: c.2511A>G on transcript NM_001376.5 (MANE Select); coding-DNA position 2511, A replaced by G.
Protein change: p.Ala837=; no amino-acid change (alanine 837 retained).
Molecular consequence: synonymous variant.
Genome position (GRCh38, 1-based): chr14:101,986,736, A>G. VCF-style: chr14-101986736-A-G. GRCh37 (hg19) VCF-style: chr14-102453073-A-G.
Other names: p.Ala837=.
Identifiers: ClinVar variation 128924 (VCV000128924.37), dbSNP rs17512054, ClinGen allele CA152624.